The following is an entry in ClinVar:

ClinVar aggregate classification (germline): Uncertain significance. Review status: criteria provided, multiple submitters, no conflicts (2 of 4 stars). 3 submissions from 3 submitters: Uncertain significance (3). Last evaluated 2026-01-27.

Conditions:
Fanconi anemia complementation group P. Also called: SLX4-Related Fanconi Anemia. Identifiers: Orphanet 84, MedGen C3469542, MONDO:0013499, OMIM 613951.
Fanconi anemia (FA). Also called: Fanconi's anemia. Identifiers: Orphanet 84, MedGen C0015625, MeSH D005199, MONDO:0019391.

Allele frequency attached by ClinVar (database versions not stated): ExAC 0.00001; gnomAD exomes 0.00002 and 0.00003; TOPMed 0.00002; gnomAD 0.00003.
gnomAD v4.1: 34 of 1,614,024 alleles (0.0021%); highest among the groups gnomAD compares: South Asian, 0.011%; no homozygotes.

Submissions (3):

Labcorp Genetics (formerly Invitae), Labcorp
Classification: Uncertain significance for Fanconi anemia. Last evaluated: 2026-01-27. Review status: criteria provided, single submitter. Criteria: Invitae Variant Classification Sherloc (09022015). Collection method: clinical testing. Allele origin: germline.
Comment: This sequence change replaces valine, which is neutral and non-polar, with methionine, which is neutral and non-polar, at codon 308 of the SLX4 protein (p.Val308Met). This variant is present in population databases (rs775151113, gnomAD 0.01%). This variant has not been reported in the literature in individuals affected with SLX4-related conditions. ClinVar contains an entry for this variant (Variation ID: 436785). An algorithm developed to predict the effect of missense changes on protein structure and function (PolyPhen-2) suggests that this variant is likely to be tolerated. In summary, the available evidence is currently insufficient to determine the role of this variant in disease. Therefore, it has been classified as a Variant of Uncertain Significance.

Fulgent Genetics
Classification: Uncertain significance for Fanconi anemia complementation group P. Last evaluated: 2022-03-01. Review status: criteria provided, single submitter. Criteria: ACMG Guidelines, 2015. Collection method: clinical testing. Allele origin: unknown.

Genetic Services Laboratory, University of Chicago
Classification: Uncertain significance. Last evaluated: 2016-12-20. Review status: criteria provided, single submitter. Criteria: ACMG Guidelines, 2015. Collection method: clinical testing. Allele origin: germline. Affected: no.

NM_032444.4(SLX4):c.922G>A (p.Val308Met)

Gene: SLX4 (SLX4 structure-specific endonuclease subunit; minus strand). Cytogenetic location: 16p13.3.
Variant type: single nucleotide variant.
Coding change: c.922G>A on transcript NM_032444.4 (MANE Select); coding-DNA position 922, G replaced by A.
Protein change: p.Val308Met; replaces valine 308 with methionine.
Molecular consequence: missense variant.
Genome position (GRCh38, 1-based): chr16:3,602,146, C>T on the plus strand (G>A on the coding strand, the complement: SLX4 is on the minus strand). VCF-style: chr16-3602146-C-T. GRCh37 (hg19) VCF-style: chr16-3652147-C-T.
Other names: c.922G>A (LRG_503t1); short protein forms V308M.
Identifiers: ClinVar variation 436785 (VCV000436785.14), dbSNP rs775151113, ClinGen allele CA7866709.
Genomic context (GRCh38, chr16:3,602,146, plus strand): 5'-ACGGGAGAGGCGACGGCCCAAGCTGCCCCCACCTGTTCACATGCTGTTCCCTTCGGGTCA[C>T]GTTCATGGCTGAGAGGTTCTTTTGACAAATCTGGCAGAAGAACAAACCCTTTTCCTCCAG-3'
Protein context (NP_115820.2, residues 298-318): ICQKNLSAMN[Val308Met]TRREQHVNRC